The following is an entry in ClinVar:

NM_002878.4(RAD51D):c.564T>C (p.Thr188=)

Genes: RAD51L3-RFFL (RAD51L3-RFFL readthrough; minus strand), RAD51D (RAD51 paralog D; minus strand). Cytogenetic location: 17q12.
Variant type: single nucleotide variant.
Coding change: c.564T>C on transcript NM_002878.4 (MANE Select); coding-DNA position 564, T replaced by C.
Protein change: p.Thr188=; no amino-acid change (threonine 188 retained).
Molecular consequence: synonymous variant. On other transcripts: non-coding transcript variant (3).
Genome position (GRCh38, 1-based): chr17:35,106,398, A>G on the plus strand (T>C on the coding strand, the complement: RAD51D is on the minus strand). VCF-style: chr17-35106398-A-G. GRCh37 (hg19) VCF-style: chr17-33433417-A-G.
Other names: c.624T>C, p.Thr208= (NM_001142571.2); c.228T>C, p.Thr76= (NM_133629.3).
Identifiers: ClinVar variation 1670694 (VCV001670694.9), dbSNP rs1258276444, ClinGen allele CA499731564.
Genomic context (GRCh38, chr17:35,106,398, plus strand): 5'-CACCTAGAAAGCTGAATTAAGCAAGGAGGGGCAGAACAGCAGGCTCACCTGCTGGGCCAC[A>G]GTGCCTCGGAGCTCCTGCAGCACATCCAGCATCTGGAAGATGTCAAATGCATGCACCACC-3'
Protein context (NP_002869.3, residues 178-198): MLDVLQELRG[Thr188=]VAQQVTGSSG

ClinVar aggregate classification (germline): Benign/Likely benign. Review status: criteria provided, multiple submitters, no conflicts (2 of 4 stars). 2 submissions from 2 submitters: Benign (1); Likely benign (1). Last evaluated 2025-02-24.

Conditions:
Breast-ovarian cancer, familial, susceptibility to, 4. Identifiers: Orphanet 145, MedGen C3280345, MONDO:0013669, OMIM 614291.

Allele frequency attached by ClinVar (database versions not stated): gnomAD exomes below 0.00001.
gnomAD v4.1: 1 of 1,613,018 alleles (0.000062%); highest among the groups gnomAD compares: South Asian, 0.0011%; no homozygotes.

Submissions (2):

Myriad Genetics, Inc.
Classification: Benign for Breast-ovarian cancer, familial, susceptibility to, 4. Last evaluated: 2025-02-24. Review status: criteria provided, single submitter. Criteria: Myriad Autosomal Dominant, Autosomal Recessive and X-Linked Classification Criteria (2023). Collection method: clinical testing. Allele origin: unknown.
Comment: This variant is considered benign. This variant is a silent/synonymous amino acid change and it is not expected to impact splicing.

Labcorp Genetics (formerly Invitae), Labcorp
Classification: Likely benign for Breast-ovarian cancer, familial, susceptibility to, 4. Last evaluated: 2023-02-08. Review status: criteria provided, single submitter. Criteria: Invitae Variant Classification Sherloc (09022015). Collection method: clinical testing. Allele origin: germline.